The following is an entry in ClinVar:

NM_001382508.1(DROSHA):c.812G>A (p.Arg271Gln)

Gene: DROSHA (drosha ribonuclease III; minus strand). Cytogenetic location: 5p13.3.
Variant type: single nucleotide variant.
Coding change: c.812G>A on transcript NM_001382508.1 (MANE Select); coding-DNA position 812, G replaced by A.
Protein change: p.Arg271Gln; replaces arginine 271 with glutamine.
Molecular consequence: missense variant.
Genome position (GRCh38, 1-based): chr5:31,526,121, C>T on the plus strand (G>A on the coding strand, the complement: DROSHA is on the minus strand). VCF-style: chr5-31526121-C-T. GRCh37 (hg19) VCF-style: chr5-31526228-C-T.
Other names: c.812G>A, p.Arg271Gln (NM_001100412.2, NM_013235.5); short protein forms R271Q.
Identifiers: ClinVar variation 3352284 (VCV003352284.2).

ClinVar aggregate classification (germline): Uncertain significance. Review status: criteria provided, single submitter (1 of 4 stars). 2 submissions from 2 submitters: Uncertain significance (1). 1 of the submissions does not count toward it. Last evaluated 2025-11-13.

Conditions:
DROSHA-related disorder. Also called: DROSHA-related condition.

gnomAD v4.1: 52 of 1,604,678 alleles (0.0032%); highest among the groups gnomAD compares: Admixed American, 0.012%; no homozygotes.

Submissions (2):

Ambry Genetics
Classification: Uncertain significance. Last evaluated: 2025-11-13. Review status: criteria provided, single submitter. Criteria: Ambry Variant Classification Scheme 2023. Collection method: clinical testing. Allele origin: germline.

PreventionGenetics, part of Exact Sciences
Classification: Uncertain significance for DROSHA-related condition. Last evaluated: 2024-05-29. Review status: no assertion criteria provided. Collection method: clinical testing. Allele origin: germline. Not counted in ClinVar's aggregate classification.
Comment: The DROSHA c.812G>A variant is predicted to result in the amino acid substitution p.Arg271Gln. To our knowledge, this variant has not been reported in the literature. This variant is reported in 0.020% of alleles in individuals of Latino descent in gnomAD. At this time, the clinical significance of this variant is uncertain due to the absence of conclusive functional and genetic evidence.